The following is an entry in ClinVar:

NM_001433705.1(NLRP5):c.2881C>T (p.His961Tyr)

Gene: NLRP5 (NLR family pyrin domain containing 5; plus strand). Cytogenetic location: 19q13.43.
Variant type: single nucleotide variant.
Coding change: c.2881C>T on transcript NM_001433705.1 (MANE Select); coding-DNA position 2881, C replaced by T.
Protein change: p.His961Tyr; replaces histidine 961 with tyrosine.
Molecular consequence: missense variant.
Genome position (GRCh38, 1-based): chr19:56,050,494, C>T. VCF-style: chr19-56050494-C-T. GRCh37 (hg19) VCF-style: chr19-56561860-C-T.
Other names: NM_153447.4:c.3034C>T; short protein forms H961Y.
Identifiers: ClinVar variation 4883560 (VCV004883560.2).

ClinVar aggregate classification (germline): Uncertain significance (1 of 4 stars; one submission).

Conditions:
Oocyte/zygote/embryo maturation arrest 19 (OZEMA19). Identifiers: MedGen C5830442, MONDO:0957231, OMIM 620333.

gnomAD v4.1: 1 of 1,613,858 alleles (0.000062%); highest among the groups gnomAD compares: Non-Finnish European, 0.000085%; no homozygotes.

Submission:

Dasa
Classification: Uncertain significance for oocyte/zygote/embryo maturation arrest 19. Last evaluated: 2025-10-14. Review status: criteria provided, single submitter. Criteria: DASA Assertion Criteria. Collection method: clinical testing. Allele origin: germline.
Comment: NM_153447.4(NLRP5):c.3034C>T (p.His1012Tyr) is a missense variant that results in the substitution of histidine with tyrosine. This variant is rare in population databases. The currently available literature and clinical evidence are not sufficient to establish a definitive association between this variant and the reported condition. Therefore, this variant is classified as a variant of uncertain significance.